The following is an entry in ClinVar:

Conditions:
Breast-ovarian cancer, familial, susceptibility to, 1 (BROVCA1). Also called: BRCA1 Hereditary Breast and Ovarian Cancer; OVARIAN CANCER, SUSCEPTIBILITY TO. Identifiers: Orphanet 145, MedGen C2676676, MONDO:0011450, OMIM 604370. Disease mechanism: loss of function.

Allele frequency attached by ClinVar (database versions not stated): gnomAD exomes below 0.00001.
gnomAD v4.1: 1 of 1,585,680 alleles (0.000063%); highest among the groups gnomAD compares: Non-Finnish European, 0.000087%; no homozygotes.

Submission:

Brotman Baty Institute, University of Washington
No classification provided (evidence only). Condition: Breast-ovarian cancer, familial 1. Review status: no classification provided. Collection method: in vitro. Allele origin: not applicable. Functional consequence: functionally_abnormal.
ClinVar note: "not provided" was previously submitted as the classification for the variant. However, the classification appeared to be based only on an observation of functional data so it was converted to no classification on 2025-07-30.

NM_007294.4(BRCA1):c.208A>T (p.Lys70Ter)

Gene: BRCA1 (BRCA1 DNA repair associated; minus strand). Cytogenetic location: 17q21.31.
Variant type: single nucleotide variant.
Coding change: c.208A>T on transcript NM_007294.4 (MANE Select); coding-DNA position 208, A replaced by T.
Protein change: p.Lys70Ter; replaces lysine 70 with a stop codon.
Molecular consequence: nonsense.
Genome position (GRCh38, 1-based): chr17:43,106,460, T>A on the plus strand (A>T on the coding strand, the complement: BRCA1 is on the minus strand). VCF-style: chr17-43106460-T-A. GRCh37 (hg19) VCF-style: chr17-41258477-T-A.
Other names: c.208A>T, p.Lys70Ter (NM_001407581.1, NM_001407582.1, NM_001407583.1 and 168 more transcripts); c.67A>T, p.Lys23Ter (NM_001407692.1, NM_001407694.1, NM_001407695.1 and 99 more transcripts); short protein forms K23*, K70*.
Identifiers: ClinVar variation 868787 (VCV000868787.3), dbSNP rs2054770550, ClinGen allele CA10601752.